The following is an entry in ClinVar:

ClinVar aggregate classification (germline): Conflicting classifications of pathogenicity. Review status: criteria provided, conflicting classifications (1 of 4 stars). 2 submissions from 2 submitters: Uncertain significance (1); Likely benign (1). Last evaluated 2023-03-23.

Conditions:
Hereditary cancer-predisposing syndrome. Also called: Hereditary Cancer Syndrome; Hereditary neoplastic syndrome; Neoplastic Syndromes, Hereditary; Tumor predisposition. Identifiers: Orphanet 140162, MedGen C0027672, MeSH D009386, MONDO:0015356.

Submissions (2):

University of Washington Department of Laboratory Medicine, University of Washington
Classification: Likely benign for Hereditary cancer-predisposing syndrome. Last evaluated: 2023-03-23. Review status: criteria provided, single submitter. Criteria: Dines et al. (Genet Med. 2020). Collection method: curation. Allele origin: germline.
Comment: Missense variant in a coldspot region where missense variants are very unlikely to be pathogenic (PMID:31911673).

BRCA2 exon 11 coldspot. Reclassification based on statistical prior probability.

Ambry Genetics
Classification: Uncertain significance for Hereditary cancer-predisposing syndrome. Last evaluated: 2019-10-16. Review status: criteria provided, single submitter. Criteria: Ambry Variant Classification Scheme 2023. Collection method: clinical testing. Allele origin: germline.
Comment: The p.V1438A variant (also known as c.4313T>C), located in coding exon 10 of the BRCA2 gene, results from a T to C substitution at nucleotide position 4313. The valine at codon 1438 is replaced by alanine, an amino acid with similar properties. This amino acid position is well conserved in available vertebrate species. In addition, the in silico prediction for this alteration is inconclusive. Since supporting evidence is limited at this time, the clinical significance of this alteration remains unclear.

NM_000059.4(BRCA2):c.4313T>C (p.Val1438Ala)

Gene: BRCA2 (BRCA2 DNA repair associated; plus strand). Cytogenetic location: 13q13.1.
Variant type: single nucleotide variant.
Coding change: c.4313T>C on transcript NM_000059.4 (MANE Select); coding-DNA position 4313, T replaced by C.
Protein change: p.Val1438Ala; replaces valine 1438 with alanine.
Molecular consequence: missense variant.
Genome position (GRCh38, 1-based): chr13:32,338,668, T>C. VCF-style: chr13-32338668-T-C. GRCh37 (hg19) VCF-style: chr13-32912805-T-C.
Other names: c.4313T>C, p.Val1438Ala (NM_001406719.1, NM_001406720.1); short protein forms V1438A.
Identifiers: ClinVar variation 1739649 (VCV001739649.4), dbSNP rs2137505065, ClinGen allele CA387780795.